The following is an entry in ClinVar:

NM_001012759.3(CTU2):c.808C>T (p.Arg270Cys)

Gene: CTU2 (cytosolic thiouridylase subunit 2; plus strand). Cytogenetic location: 16q24.3.
Variant type: single nucleotide variant.
Coding change: c.808C>T on transcript NM_001012759.3 (MANE Select); coding-DNA position 808, C replaced by T.
Protein change: p.Arg270Cys; replaces arginine 270 with cysteine.
Molecular consequence: missense variant.
Genome position (GRCh38, 1-based): chr16:88,713,382, C>T. VCF-style: chr16-88713382-C-T. GRCh37 (hg19) VCF-style: chr16-88779790-C-T.
Other names: c.808C>T (NM_001012759.2); c.808C>T, p.Arg270Cys (NM_001012762.3); c.1021C>T, p.Arg341Cys (NM_001318507.2); c.547C>T, p.Arg183Cys (NM_001318513.2); short protein forms R270C, R183C, R341C.
Identifiers: ClinVar variation 3078895 (VCV003078895.3), dbSNP rs145888651, ClinGen allele CA8230556.

ClinVar aggregate classification (germline): Uncertain significance. Review status: criteria provided, multiple submitters, no conflicts (2 of 4 stars). 2 submissions from 2 submitters: Uncertain significance (2). Last evaluated 2026-03-19.

Allele frequency attached by ClinVar (database versions not stated): gnomAD 0.00013; ESP Exome Variant Server 0.00023.
gnomAD v4.1: 130 of 1,604,542 alleles (0.0081%); highest among the groups gnomAD compares: Middle Eastern, 0.05%; no homozygotes.

Submissions (2):

GeneDx
Classification: Uncertain significance. Last evaluated: 2026-03-19. Review status: criteria provided, single submitter. Criteria: GeneDx Variant Classification Process June 2021. Collection method: clinical testing. Allele origin: germline.
Comment: In silico analysis supports that this missense variant has a deleterious effect on protein structure/function; Has not been previously published as pathogenic or benign to our knowledge

Ambry Genetics
Classification: Uncertain significance. Last evaluated: 2024-07-31. Review status: criteria provided, single submitter. Criteria: Ambry Variant Classification Scheme 2023. Collection method: clinical testing. Allele origin: germline.